The following is an entry in ClinVar:

ClinVar aggregate classification (germline): Uncertain significance (1 of 4 stars; one submission).

Conditions:
Ataxia-telangiectasia syndrome (AT). Also called: LOUIS-BAR SYNDROME; Ataxia-telangiectasia, complementation group D; ATAXIA-TELANGIECTASIA, COMPLEMENTATION GROUP A; ATAXIA-TELANGIECTASIA, FRESNO VARIANT; Ataxia-telangiectasia; Ataxia telangiectasia (A-T). Identifiers: Orphanet 100, MedGen C0004135, MONDO:0008840, OMIM 208900.

Submission:

Labcorp Genetics (formerly Invitae), Labcorp
Classification: Uncertain significance for Ataxia-telangiectasia syndrome. Last evaluated: 2023-02-08. Review status: criteria provided, single submitter. Criteria: Invitae Variant Classification Sherloc (09022015). Collection method: clinical testing. Allele origin: germline.
Comment: Algorithms developed to predict the effect of missense changes on protein structure and function (SIFT, PolyPhen-2, Align-GVGD) all suggest that this variant is likely to be tolerated. This sequence change replaces aspartic acid, which is acidic and polar, with asparagine, which is neutral and polar, at codon 1791 of the ATM protein (p.Asp1791Asn). This variant is not present in population databases (gnomAD no frequency). This variant has not been reported in the literature in individuals affected with ATM-related conditions. In summary, the available evidence is currently insufficient to determine the role of this variant in disease. Therefore, it has been classified as a Variant of Uncertain Significance.

NM_000051.4(ATM):c.5371G>A (p.Asp1791Asn)

Gene: ATM (ATM serine/threonine kinase; plus strand). Cytogenetic location: 11q22.3.
Variant type: single nucleotide variant.
Coding change: c.5371G>A on transcript NM_000051.4 (MANE Select); coding-DNA position 5371, G replaced by A.
Protein change: p.Asp1791Asn; replaces aspartic acid 1791 with asparagine.
Molecular consequence: missense variant.
Genome position (GRCh38, 1-based): chr11:108,302,904, G>A. VCF-style: chr11-108302904-G-A. GRCh37 (hg19) VCF-style: chr11-108173631-G-A.
Other names: c.5371G>A, p.Asp1791Asn (NM_001351834.2); short protein forms D1791N.
Identifiers: ClinVar variation 2835239 (VCV002835239.3), dbSNP rs2135928139, ClinGen allele CA382543429.